The following is an entry in ClinVar:

ClinVar aggregate classification (germline): Pathogenic (1 of 4 stars; one submission).

Submission:

Labcorp Genetics (formerly Invitae), Labcorp
Classification: Pathogenic. Last evaluated: 2025-10-23. Review status: criteria provided, single submitter. Criteria: Invitae Variant Classification Sherloc (09022015). Collection method: clinical testing. Allele origin: germline.
Comment: This sequence change creates a premature translational stop signal (p.Ser2009*) in the HIVEP2 gene. It is expected to result in an absent or disrupted protein product. Loss-of-function variants in HIVEP2 are known to be pathogenic (PMID: 27003583). This variant is not present in population databases (gnomAD no frequency). This variant has not been reported in the literature in individuals affected with HIVEP2-related conditions. For these reasons, this variant has been classified as Pathogenic.

Literature cited by the submitters: PubMed 27003583.

NM_006734.4(HIVEP2):c.6026C>G (p.Ser2009Ter)

Gene: HIVEP2 (HIVEP zinc finger 2; minus strand). Cytogenetic location: 6q24.2.
Variant type: single nucleotide variant.
Coding change: c.6026C>G on transcript NM_006734.4 (MANE Select); coding-DNA position 6026, C replaced by G.
Protein change: p.Ser2009Ter; replaces serine 2009 with a stop codon.
Molecular consequence: nonsense.
Genome position (GRCh38, 1-based): chr6:142,760,262, G>C on the plus strand (C>G on the coding strand, the complement: HIVEP2 is on the minus strand). VCF-style: chr6-142760262-G-C. GRCh37 (hg19) VCF-style: chr6-143081399-G-C.
Other names: c.6026C>G, p.Ser2009Ter (NM_001438449.1, NM_001438450.1, NM_001438451.1); short protein forms S2009*.
Identifiers: ClinVar variation 4729720 (VCV004729720.1).